The following is an entry in ClinVar:

NM_015542.4(UPF2):c.2021_2024del (p.Thr674fs)

Gene: UPF2 (UPF2 regulator of nonsense mediated mRNA decay; minus strand). Cytogenetic location: 10p14.
Variant type: Microsatellite.
Coding change: c.2021_2024del on transcript NM_015542.4 (MANE Select); coding-DNA positions 2021 to 2024, 4 bases deleted (CTAA; older notation c.2021_2024delCTAA).
Protein change: p.Thr674fs; shifts the reading frame from threonine 674.
Molecular consequence: frameshift variant.
Genome position (GRCh38, 1-based): chr10:11,967,384-11,967,387, TTAG deleted on the plus strand (CTAA on the coding strand, the reverse complement: UPF2 is on the minus strand); deleting any 4 consecutive bases within chr10:11,967,384-11,967,393 gives the same sequence; the c. name uses the placement nearest the transcript's 3' end. VCF-style (leftmost placement, unchanged base first): chr10-11967383-CTTAG-C. GRCh37 (hg19) VCF-style: chr10-12009382-CTTAG-C.
Other names: c.2021_2024del, p.Thr674fs (NM_080599.3); short protein forms T674fs.
Identifiers: ClinVar variation 1407764 (VCV001407764.1), dbSNP rs1488895098, ClinGen allele CA660620653.

ClinVar aggregate classification (germline): Pathogenic (1 of 4 stars; one submission).

Submission:

Labcorp Genetics (formerly Invitae), Labcorp
Classification: Pathogenic. Last evaluated: 2020-11-05. Review status: criteria provided, single submitter. Criteria: Invitae Variant Classification Sherloc (09022015). Collection method: clinical testing. Allele origin: germline.
Comment: This sequence change creates a premature translational stop signal (p.Thr674Serfs*14) in the UPF2 gene. It is expected to result in an absent or disrupted protein product. Loss-of-function variants in UPF2 are known to be pathogenic (PMID: 31585809). This variant is not present in population databases (ExAC no frequency). This variant has not been reported in the literature in individuals with UPF2-related conditions. For these reasons, this variant has been classified as Pathogenic.

Literature cited by the submitters: PubMed 31585809.